The following is an entry in ClinVar:

NM_000038.6(APC):c.3116G>A (p.Gly1039Glu)

Gene: APC (APC regulator of Wnt signaling pathway; plus strand). Cytogenetic location: 5q22.2.
Variant type: single nucleotide variant.
Coding change: c.3116G>A on transcript NM_000038.6 (MANE Select); coding-DNA position 3116, G replaced by A.
Protein change: p.Gly1039Glu; replaces glycine 1039 with glutamic acid.
Molecular consequence: missense variant. On other transcripts: non-coding transcript variant (2).
Genome position (GRCh38, 1-based): chr5:112,838,710, G>A. VCF-style: chr5-112838710-G-A. GRCh37 (hg19) VCF-style: chr5-112174407-G-A.
Other names: c.3116G>A, p.Gly1039Glu (NM_001127510.3, NM_001354895.2, NM_001407450.1); c.3062G>A, p.Gly1021Glu (NM_001127511.3); c.3170G>A, p.Gly1057Glu (NM_001354896.2, NM_001407447.1, NM_001407448.1 and 1 more transcripts); c.3146G>A, p.Gly1049Glu (NM_001354897.2); c.3041G>A, p.Gly1014Glu (NM_001354898.2); c.3032G>A, p.Gly1011Glu (NM_001354899.2); c.2993G>A, p.Gly998Glu (NM_001354900.2); c.2939G>A, p.Gly980Glu (NM_001354901.2, NM_001407453.1); and 11 more; short protein forms G1011E, G1014E, G1021E, G1029E, G1032E, G1039E, G1049E, G1057E.
Identifiers: ClinVar variation 3912007 (VCV003912007.2).

ClinVar aggregate classification (germline): Uncertain significance (1 of 4 stars; one submission).

Submission:

Women's Health and Genetics/Laboratory Corporation of America, LabCorp
Classification: Uncertain significance. Last evaluated: 2025-07-07. Review status: criteria provided, single submitter. Criteria: LabCorp Variant Classification Summary - May 2015. Collection method: clinical testing. Allele origin: germline.
Comment: Variant summary: APC c.3116G>A (p.Gly1039Glu) results in a non-conservative amino acid change in the encoded protein sequence. Algorithms developed to predict the effect of missense changes on protein structure and function all suggest that this variant is likely to be disruptive. The variant was absent in 250742 control chromosomes. The available data on variant occurrences in the general population are insufficient to allow any conclusion about variant significance. To our knowledge, no occurrence of c.3116G>A in individuals affected with Colorectal Cancer Risk and no experimental evidence demonstrating its impact on protein function have been reported. No submitters have cited clinical-significance assessments for this variant to ClinVar. Based on the evidence outlined above, the variant was classified as uncertain significance.